The following is an entry in ClinVar:

ClinVar aggregate classification (germline): Pathogenic/Likely pathogenic. Review status: criteria provided, multiple submitters, no conflicts (2 of 4 stars). 2 submissions from 2 submitters: Pathogenic (1); Likely pathogenic (1). Last evaluated 2022-02-04.

Conditions:
EYS-related disorder. Also called: EYS-related condition.

Submissions (2):

Labcorp Genetics (formerly Invitae), Labcorp
Classification: Likely pathogenic. Last evaluated: 2022-02-04. Review status: criteria provided, single submitter. Criteria: Invitae Variant Classification Sherloc (09022015). Collection method: clinical testing. Allele origin: germline.
Comment: This sequence change affects a donor splice site in intron 17 of the EYS gene. It is expected to disrupt RNA splicing. Variants that disrupt the donor or acceptor splice site typically lead to a loss of protein function (PMID: 16199547), and loss-of-function variants in EYS are known to be pathogenic (PMID: 18836446, 20333770). In summary, the currently available evidence indicates that the variant is pathogenic, but additional data are needed to prove that conclusively. Therefore, this variant has been classified as Likely Pathogenic. Algorithms developed to predict the effect of sequence changes on RNA splicing suggest that this variant may disrupt the consensus splice site. ClinVar contains an entry for this variant (Variation ID: 941523). This variant has not been reported in the literature in individuals affected with EYS-related conditions. This variant is not present in population databases (gnomAD no frequency).

Blueprint Genetics
Classification: Pathogenic for EYS-related disorders. Last evaluated: 2020-06-26. Review status: criteria provided, single submitter. Criteria: ACMG Guidelines, 2015. Collection method: clinical testing. Allele origin: germline. Affected: yes. Observed: 3 variant alleles.

Literature cited by the submitters: PubMed 16199547 (cited by Labcorp Genetics (formerly Invitae), Labcorp); PubMed 18836446 (cited by Labcorp Genetics (formerly Invitae), Labcorp); PubMed 20333770 (cited by Labcorp Genetics (formerly Invitae), Labcorp).

NM_001142800.2(EYS):c.2738+1G>A

Gene: EYS (EGF-like photoreceptor maintenance factor; minus strand). Cytogenetic location: 6q12.
Variant type: single nucleotide variant.
Coding change: c.2738+1G>A on transcript NM_001142800.2 (MANE Select); the canonical splice donor site of the intron after coding-DNA position 2738, G replaced by A.
Molecular consequence: splice donor variant.
Genome position (GRCh38, 1-based): chr6:64,902,403, C>T on the plus strand (G>A on the coding strand, the complement: EYS is on the minus strand). VCF-style: chr6-64902403-C-T. GRCh37 (hg19) VCF-style: chr6-65612296-C-T.
Other names: c.2738+1G>A (NM_001292009.2).
Identifiers: ClinVar variation 941523 (VCV000941523.9), dbSNP rs1767696253, ClinGen allele CA364785804.